The following is an entry in ClinVar:

NM_012193.4(FZD4):c.1244A>G (p.Lys415Arg)

Genes: FZD4 (frizzled class receptor 4; minus strand), PRSS23 (serine protease 23; plus strand). Cytogenetic location: 11q14.2.
Variant type: single nucleotide variant.
Coding change: c.1244A>G on transcript NM_012193.4 (MANE Select); coding-DNA position 1244, A replaced by G.
Protein change: p.Lys415Arg; replaces lysine 415 with arginine.
Molecular consequence: missense variant. On other transcripts: non-coding transcript variant (2).
Genome position (GRCh38, 1-based): chr11:86,951,512, T>C on the plus strand (A>G on the coding strand, the complement: FZD4 is on the minus strand). VCF-style: chr11-86951512-T-C. GRCh37 (hg19) VCF-style: chr11-86662554-T-C.
Other names: c.1244A>G (NM_012193.3); short protein forms K415R.
Identifiers: ClinVar variation 1502761 (VCV001502761.11), dbSNP rs763395503, ClinGen allele CA6218354.

ClinVar aggregate classification (germline): Uncertain significance. Review status: criteria provided, multiple submitters, no conflicts (2 of 4 stars). 4 submissions from 4 submitters: Uncertain significance (4). Last evaluated 2025-09-14.

Conditions:
Inborn genetic diseases. Identifiers: MedGen C0950123, MeSH D030342.

Allele frequency attached by ClinVar (database versions not stated): gnomAD 0.00001; TOPMed 0.00002; ExAC 0.00003; gnomAD exomes 0.00004.
gnomAD v4.1: 110 of 1,614,070 alleles (0.0068%); highest among the groups gnomAD compares: Non-Finnish European, 0.0086%; no homozygotes.

Submissions (4):

Labcorp Genetics (formerly Invitae), Labcorp
Classification: Uncertain significance. Last evaluated: 2025-09-14. Review status: criteria provided, single submitter. Criteria: Invitae Variant Classification Sherloc (09022015). Collection method: clinical testing. Allele origin: germline.
Comment: This sequence change replaces lysine, which is basic and polar, with arginine, which is basic and polar, at codon 415 of the FZD4 protein (p.Lys415Arg). This variant is present in population databases (rs763395503, gnomAD 0.006%). This variant has not been reported in the literature in individuals affected with FZD4-related conditions. ClinVar contains an entry for this variant (Variation ID: 1502761). Invitae Evidence Modeling of protein sequence and biophysical properties (such as structural, functional, and spatial information, amino acid conservation, physicochemical variation, residue mobility, and thermodynamic stability) indicates that this missense variant is not expected to disrupt FZD4 protein function with a negative predictive value of 80%. In summary, the available evidence is currently insufficient to determine the role of this variant in disease. Therefore, it has been classified as a Variant of Uncertain Significance.

Ambry Genetics
Classification: Uncertain significance for Inborn genetic diseases. Last evaluated: 2025-06-07. Review status: criteria provided, single submitter. Criteria: Ambry Variant Classification Scheme 2023. Collection method: clinical testing. Allele origin: germline.

Blueprint Genetics
Classification: Uncertain significance. Last evaluated: 2023-04-19. Review status: criteria provided, single submitter. Criteria: ACMG Guidelines, 2015. Collection method: clinical testing. Allele origin: germline.

Breakthrough Genomics
Classification: Uncertain significance. Review status: criteria provided, single submitter. Criteria: ACMG Guidelines, 2015. Collection method: not provided. Allele origin: germline. Inheritance: Unknown mechanism. Affected: yes.